The following is an entry in ClinVar:

NM_001845.6(COL4A1):c.1892T>C (p.Leu631Pro)

Gene: COL4A1 (collagen type IV alpha 1 chain; minus strand). Cytogenetic location: 13q34.
Variant type: single nucleotide variant.
Coding change: c.1892T>C on transcript NM_001845.6 (MANE Select); coding-DNA position 1892, T replaced by C.
Protein change: p.Leu631Pro; replaces leucine 631 with proline.
Molecular consequence: missense variant.
Genome position (GRCh38, 1-based): chr13:110,186,390, A>G on the plus strand (T>C on the coding strand, the complement: COL4A1 is on the minus strand). VCF-style: chr13-110186390-A-G. GRCh37 (hg19) VCF-style: chr13-110838737-A-G.
Other names: short protein forms L631P.
Identifiers: ClinVar variation 3344968 (VCV003344968.1).
Genomic context (GRCh38, chr13:110,186,390, plus strand): 5'-TGCCCTAACCTCCGTTTACAACTTCATGCTGCATCACGAGTTTCTCAGGCCTCACCTGGC[A>G]GGCCTGGGGATCCAGGGCCTCCAGGAAAGCCTGCTTGTCCTTTGTCACCAATGGGACCAG-3'
Protein context (NP_001836.3, residues 621-641): GFPGGPGSPG[Leu631Pro]PGPKGEPGKI

ClinVar aggregate classification (germline): Uncertain significance (0 of 4 stars; one submission).

Conditions:
COL4A1-related disorder. Also called: COL4A1-related disorders; COL4A1-related condition. Identifiers: MedGen CN376119, MONDO:0800461.

Submission:

PreventionGenetics, part of Exact Sciences
Classification: Uncertain significance for COL4A1-related condition. Last evaluated: 2024-08-09. Review status: no assertion criteria provided. Collection method: clinical testing. Allele origin: germline.
Comment: The COL4A1 c.1892T>C variant is predicted to result in the amino acid substitution p.Leu631Pro. To our knowledge, this variant has not been reported in the literature or in a large population database, indicating this variant is rare. At this time, the clinical significance of this variant is uncertain due to the absence of conclusive functional and genetic evidence.